The following is an entry in ClinVar:

NM_181426.2(CCDC39):c.2670-14G>A

Genes: CCDC39 (coiled-coil domain 39 molecular ruler complex subunit; minus strand), TTC14 (tetratricopeptide repeat domain 14; plus strand). Cytogenetic location: 3q26.33.
Variant type: single nucleotide variant.
Coding change: c.2670-14G>A on transcript NM_181426.2 (MANE Select); 14 bases into the intron before coding-DNA position 2670, G replaced by A.
Molecular consequence: intron variant.
Genome position (GRCh38, 1-based): chr3:180,615,091, C>T on the plus strand (G>A on the coding strand, the complement: CCDC39 is on the minus strand). VCF-style: chr3-180615091-C-T. GRCh37 (hg19) VCF-style: chr3-180332879-C-T.
Other names: c.1775-2289C>T (NM_001288582.2).
Identifiers: ClinVar variation 2150933 (VCV002150933.1), dbSNP rs1240386443, ClinGen allele CA548335588.

ClinVar aggregate classification (germline): Uncertain significance (1 of 4 stars; one submission).

Conditions:
Primary ciliary dyskinesia. Also called: Ciliary dyskinesia. Identifiers: Orphanet 244, MedGen C0008780, MONDO:0016575, HP:0012265.

Allele frequency attached by ClinVar (database versions not stated): gnomAD 0.00004; TOPMed 0.00008; gnomAD exomes below 0.00001.
gnomAD v4.1: 8 of 1,508,584 alleles (0.00053%); highest among the groups gnomAD compares: Admixed American, 0.021%; no homozygotes.

Submission:

Labcorp Genetics (formerly Invitae), Labcorp
Classification: Uncertain significance for Primary ciliary dyskinesia. Last evaluated: 2022-07-22. Review status: criteria provided, single submitter. Criteria: Invitae Variant Classification Sherloc (09022015). Collection method: clinical testing. Allele origin: germline.
Comment: This sequence change falls in intron 19 of the CCDC39 gene. It does not directly change the encoded amino acid sequence of the CCDC39 protein. The frequency data for this variant in the population databases is considered unreliable, as metrics indicate poor data quality at this position in the gnomAD database. This variant has not been reported in the literature in individuals affected with CCDC39-related conditions. Algorithms developed to predict the effect of sequence changes on RNA splicing suggest that this variant may disrupt the consensus splice site. In summary, the available evidence is currently insufficient to determine the role of this variant in disease. Therefore, it has been classified as a Variant of Uncertain Significance.